The following is an entry in ClinVar:

NM_015690.5(STK36):c.1542G>A (p.Glu514=)

Gene: STK36 (serine/threonine kinase 36; plus strand). Cytogenetic location: 2q35.
Variant type: single nucleotide variant.
Coding change: c.1542G>A on transcript NM_015690.5 (MANE Select); coding-DNA position 1542, G replaced by A.
Protein change: p.Glu514=; no amino-acid change (glutamic acid 514 retained).
Molecular consequence: synonymous variant.
Genome position (GRCh38, 1-based): chr2:218,688,858, G>A. VCF-style: chr2-218688858-G-A. GRCh37 (hg19) VCF-style: chr2-219553581-G-A.
Other names: c.1542G>A, p.Glu514= (NM_001243313.2, NM_001369423.1).
Identifiers: ClinVar variation 3040049 (VCV003040049.3), dbSNP rs201277567, ClinGen allele CA2110826.

ClinVar aggregate classification (germline): Likely benign. Review status: criteria provided, single submitter (1 of 4 stars). 2 submissions from 2 submitters: Likely benign (1). 1 of the submissions does not count toward it. Last evaluated 2024-11-13.

Conditions:
STK36-related disorder. Also called: STK36-related condition.

Allele frequency attached by ClinVar (database versions not stated): gnomAD exomes 0.00004; ESP Exome Variant Server 0.00008; gnomAD 0.00012; TOPMed 0.00015; ExAC 0.00019; 1000 Genomes Project 0.00080; 1000 Genomes Project 30x 0.00094.
gnomAD v4.1: 129 of 1,610,862 alleles (0.008%); highest among the groups gnomAD compares: East Asian, 0.15%; 1 homozygote.

Submissions (2):

Blueprint Genetics
Classification: Likely benign. Last evaluated: 2024-11-13. Review status: criteria provided, single submitter. Criteria: ACMG Guidelines, 2015. Collection method: clinical testing. Allele origin: germline.

PreventionGenetics, part of Exact Sciences
Classification: Likely benign for STK36-related condition. Last evaluated: 2019-10-28. Review status: no assertion criteria provided. Collection method: clinical testing. Allele origin: germline. Not counted in ClinVar's aggregate classification.
Comment: This variant is classified as likely benign based on ACMG/AMP sequence variant interpretation guidelines (Richards et al. 2015 PMID: 25741868, with internal and published modifications).